The following is an entry in ClinVar:

ClinVar aggregate classification (germline): Pathogenic (0 of 4 stars; one submission).

Conditions:
Steinert myotonic dystrophy syndrome (DM1). Also called: STEINERT DISEASE; Myotonic dystrophy type 1; Dystrophia myotonica type 1; Steinert myotonic dystrophy; Steinert's disease. Identifiers: Orphanet 273, MedGen C3250443, MONDO:0008056, OMIM 160900.

Submission:

Institute of Molecular, Cell and Systems Biology, University of Glasgow
Classification: Pathogenic for Steinert myotonic dystrophy syndrome. Review status: no assertion criteria provided. Criteria: research. Collection method: research. Allele origin: germline. Inheritance: Autosomal dominant inheritance. Affected: yes. Observed: 1 heterozygote.
Comment: DMPK CTG repeat expansions greater than approximately 45-50 repeats are assumed to be pathogenic

This record is based on data published in PubMed 25052313, which reports only ClinVar accessions SCV000120188 and SCV000120189. The complete data set includes SCV000207445 - SCV000207579.

Literature cited by the submitters: PubMed 1346923; PubMed 1546326; PubMed 25052313.

NM_004409.5(DMPK):c.*224CTG[241]

Genes: DM1-AS (DM1 locus antisense RNA; plus strand), DMPK (DM1 protein kinase; minus strand), LOC107075317 (origin of replication in DMPK trinucleotide repeat region; plus strand), LOC109461477 (dystrophia myotonica protein kinase repeat instability region; plus strand). Cytogenetic location: 19q13.32.
Variant type: Microsatellite.
Coding change: c.*224CTG[241] on transcript NM_004409.5 (MANE Select); 241 copies in a row of the 3-base unit CTG starting at c.*224.
Molecular consequence: 3 prime UTR variant.
Genome position: GRCh38, VCF-style position (the base before the change): chr19:45,770,204. GRCh37 (hg19), VCF-style position (the base before the change): chr19:46,273,462.
Other names: DM1 CTG repeat expansion; c.*224CTG[241] (NM_001081560.3, NM_001288764.2, NM_001424165.1 and 1 more transcripts); c.*217CTG[241] (NM_001081562.3, NM_001288765.2, NM_001424162.1 and 2 more transcripts); c.*222_*224TGC[241] (NM_001081563.3); c.*369CTG[241] (NM_001288766.2, NM_001424164.1, NM_001424168.1).
Identifiers: ClinVar variation 187945 (VCV000187945.1), ClinGen allele CA915951743.